The following is an entry in ClinVar:

ClinVar aggregate classification (germline): Uncertain significance (1 of 4 stars; one submission).

Allele frequency attached by ClinVar (database versions not stated): gnomAD exomes below 0.00001.
gnomAD v4.1: 1 of 1,173,700 alleles (0.000085%); highest among the groups gnomAD compares: Non-Finnish European, 0.00011%; no homozygotes.

Submission:

GeneDx
Classification: Uncertain significance. Last evaluated: 2023-01-27. Review status: criteria provided, single submitter. Criteria: GeneDx Variant Classification Process June 2021. Collection method: clinical testing. Allele origin: germline. Affected: yes.
Comment: Not observed in large population cohorts (gnomAD); In silico analysis supports that this missense variant has a deleterious effect on protein structure/function; Has not been previously published as pathogenic or benign to our knowledge

NM_005334.3(HCFC1):c.5997G>T (p.Trp1999Cys)

Gene: HCFC1 (host cell factor C1; minus strand). Cytogenetic location: Xq28.
Variant type: single nucleotide variant.
Coding change: c.5997G>T on transcript NM_005334.3 (MANE Select); coding-DNA position 5997, G replaced by T.
Protein change: p.Trp1999Cys; replaces tryptophan 1999 with cysteine.
Molecular consequence: missense variant.
Genome position (GRCh38, 1-based): chrX:153,950,250, C>A on the plus strand (G>T on the coding strand, the complement: HCFC1 is on the minus strand). VCF-style: chrX-153950250-C-A. GRCh37 (hg19) VCF-style: chrX-153215701-C-A.
Other names: short protein forms W1999C.
Identifiers: ClinVar variation 418244 (VCV000418244.5), dbSNP rs1064793145, ClinGen allele CA16621240.